The following is an entry in ClinVar:

NM_144670.6(A2ML1):c.158C>T (p.Thr53Met)

Genes: A2ML1 (alpha-2-macroglobulin like 1; plus strand), A2ML1-AS1 (A2ML1 antisense RNA 1; minus strand). Cytogenetic location: 12p13.31.
Variant type: single nucleotide variant.
Coding change: c.158C>T on transcript NM_144670.6 (MANE Select); coding-DNA position 158, C replaced by T.
Protein change: p.Thr53Met; replaces threonine 53 with methionine.
Molecular consequence: missense variant.
Genome position (GRCh38, 1-based): chr12:8,823,277, C>T. VCF-style: chr12-8823277-C-T. GRCh37 (hg19) VCF-style: chr12-8975873-C-T.
Other names: short protein forms T53M.
Identifiers: ClinVar variation 1397370 (VCV001397370.8), dbSNP rs79149293, ClinGen allele CA6435181.

ClinVar aggregate classification (germline): Uncertain significance (1 of 4 stars; one submission).

gnomAD v4.1: 23 of 1,614,002 alleles (0.0014%); highest among the groups gnomAD compares: East Asian, 0.011%; no homozygotes.

Submission:

Labcorp Genetics (formerly Invitae), Labcorp
Classification: Uncertain significance. Last evaluated: 2025-10-17. Review status: criteria provided, single submitter. Criteria: Invitae Variant Classification Sherloc (09022015). Collection method: clinical testing. Allele origin: germline.
Comment: This sequence change replaces threonine, which is neutral and polar, with methionine, which is neutral and non-polar, at codon 53 of the A2ML1 protein (p.Thr53Met). This variant is present in population databases (rs79149293, gnomAD 0.01%). This variant has not been reported in the literature in individuals affected with A2ML1-related conditions. ClinVar contains an entry for this variant (Variation ID: 1397370). An algorithm developed to predict the effect of missense changes on protein structure and function (PolyPhen-2) suggests that this variant is likely to be disruptive. In summary, the available evidence is currently insufficient to determine the role of this variant in disease. Therefore, it has been classified as a Variant of Uncertain Significance.